The following is an entry in ClinVar:

NM_012210.4(TRIM32):c.265G>A (p.Ala89Thr)

Genes: ASTN2 (astrotactin 2; minus strand), TRIM32 (tripartite motif containing 32; plus strand). Cytogenetic location: 9q33.1.
Variant type: single nucleotide variant.
Coding change: c.265G>A on transcript NM_012210.4 (MANE Select); coding-DNA position 265, G replaced by A.
Protein change: p.Ala89Thr; replaces alanine 89 with threonine.
Molecular consequence: missense variant. On other transcripts: intron variant (3).
Genome position (GRCh38, 1-based): chr9:116,698,007, G>A. VCF-style: chr9-116698007-G-A. GRCh37 (hg19) VCF-style: chr9-119460286-G-A.
Other names: c.265G>A, p.Ala89Thr (NM_001099679.2, NM_001379048.1, NM_001379049.1 and 1 more transcripts); c.2653+27764C>T (NM_014010.5); c.2794+27764C>T (NM_001365069.1); c.2806+27764C>T (NM_001365068.1); short protein forms A89T.
Identifiers: ClinVar variation 855521 (VCV000855521.13), dbSNP rs539376933, ClinGen allele CA5210931.

ClinVar aggregate classification (germline): Uncertain significance. Review status: criteria provided, multiple submitters, no conflicts (2 of 4 stars). 5 submissions from 5 submitters: Uncertain significance (4). 1 of the submissions does not count toward it. Last evaluated 2024-01-13.

Conditions:
TRIM32-related disorder. Also called: TRIM32-related condition.
Bardet-Biedl syndrome (BBS). Identifiers: Orphanet 110, MedGen C0752166, MONDO:0015229.
Inborn genetic diseases. Identifiers: MedGen C0950123, MeSH D030342.
Sarcotubular myopathy (LGMDR8). Also called: Autosomal recessive limb-girdle muscular dystrophy type 2H; MUSCULAR DYSTROPHY, LIMB-GIRDLE, AUTOSOMAL RECESSIVE 8; Hutterite type of muscular dystrophy; Limb-girdle muscular dystrophy, type 2H. Identifiers: Orphanet 1878, MedGen C0270968, MONDO:0009683, OMIM 254110.
Bardet-Biedl syndrome 11 (BBS11). Identifiers: Orphanet 110, MedGen C1859569, MONDO:0014439, OMIM 615988.

Allele frequency attached by ClinVar (database versions not stated): TOPMed 0.00003; gnomAD 0.00005 and 0.00004; gnomAD exomes 0.00011 and 0.00002; ExAC 0.00014; 1000 Genomes Project 30x 0.00031; 1000 Genomes Project 0.00040.
gnomAD v4.1: 39 of 1,614,128 alleles (0.0024%); highest among the groups gnomAD compares: East Asian, 0.069%; no homozygotes.

Submissions (5):

Fulgent Genetics
Classification: Uncertain significance for Sarcotubular myopathy; Bardet-Biedl syndrome 11. Last evaluated: 2024-01-13. Review status: criteria provided, single submitter. Criteria: ACMG Guidelines, 2015. Collection method: clinical testing. Allele origin: germline.

Ambry Genetics
Classification: Uncertain significance for Inborn genetic diseases. Last evaluated: 2022-12-12. Review status: criteria provided, single submitter. Criteria: Ambry Variant Classification Scheme 2023. Collection method: clinical testing. Allele origin: germline.

Labcorp Genetics (formerly Invitae), Labcorp
Classification: Uncertain significance for Bardet-Biedl syndrome. Last evaluated: 2022-10-13. Review status: criteria provided, single submitter. Criteria: Invitae Variant Classification Sherloc (09022015). Collection method: clinical testing. Allele origin: germline.
Comment: This sequence change replaces alanine, which is neutral and non-polar, with threonine, which is neutral and polar, at codon 89 of the TRIM32 protein (p.Ala89Thr). This variant is present in population databases (rs539376933, gnomAD 0.2%). This variant has not been reported in the literature in individuals affected with TRIM32-related conditions. ClinVar contains an entry for this variant (Variation ID: 855521). Algorithms developed to predict the effect of missense changes on protein structure and function output the following: SIFT: "Tolerated"; PolyPhen-2: "Benign"; Align-GVGD: "Class C0". The threonine amino acid residue is found in multiple mammalian species, which suggests that this missense change does not adversely affect protein function. In summary, the available evidence is currently insufficient to determine the role of this variant in disease. Therefore, it has been classified as a Variant of Uncertain Significance.

Revvity Omics, Revvity
Classification: Uncertain significance. Last evaluated: 2022-04-22. Review status: criteria provided, single submitter. Criteria: ACMG Guidelines, 2015. Collection method: clinical testing. Allele origin: germline.

PreventionGenetics, part of Exact Sciences
Classification: Likely benign for TRIM32-related condition. Last evaluated: 2023-10-17. Review status: no assertion criteria provided. Collection method: clinical testing. Allele origin: germline. Not counted in ClinVar's aggregate classification.
Comment: This variant is classified as likely benign based on ACMG/AMP sequence variant interpretation guidelines (Richards et al. 2015 PMID: 25741868, with internal and published modifications).